The following is an entry in ClinVar:

ClinVar aggregate classification (germline): Uncertain significance (1 of 4 stars; one submission).

Conditions:
Familial cold autoinflammatory syndrome 2 (FCAS2). Identifiers: Orphanet 247868, MedGen C2673198, MONDO:0012724, OMIM 611762.

Allele frequency attached by ClinVar (database versions not stated): ExAC 0.00001; gnomAD exomes 0.00003.
gnomAD v4.1: 39 of 1,614,120 alleles (0.0024%); highest among the groups gnomAD compares: Non-Finnish European, 0.0031%; no homozygotes.

Submission:

Labcorp Genetics (formerly Invitae), Labcorp
Classification: Uncertain significance for Familial cold autoinflammatory syndrome 2. Last evaluated: 2022-10-16. Review status: criteria provided, single submitter. Criteria: Invitae Variant Classification Sherloc (09022015). Collection method: clinical testing. Allele origin: germline.
Comment: This sequence change replaces leucine, which is neutral and non-polar, with phenylalanine, which is neutral and non-polar, at codon 545 of the NLRP12 protein (p.Leu545Phe). This variant is present in population databases (rs766348755, gnomAD 0.002%). This variant has not been reported in the literature in individuals affected with NLRP12-related conditions. Advanced modeling of protein sequence and biophysical properties (such as structural, functional, and spatial information, amino acid conservation, physicochemical variation, residue mobility, and thermodynamic stability) performed at Invitae indicates that this missense variant is not expected to disrupt NLRP12 protein function. In summary, the available evidence is currently insufficient to determine the role of this variant in disease. Therefore, it has been classified as a Variant of Uncertain Significance.

NM_144687.4(NLRP12):c.1635G>C (p.Leu545Phe)

Gene: NLRP12 (NLR family pyrin domain containing 12; minus strand). Cytogenetic location: 19q13.42.
Variant type: single nucleotide variant.
Coding change: c.1635G>C on transcript NM_144687.4 (MANE Select); coding-DNA position 1635, G replaced by C.
Protein change: p.Leu545Phe; replaces leucine 545 with phenylalanine.
Molecular consequence: missense variant.
Genome position (GRCh38, 1-based): chr19:53,810,024, C>G on the plus strand (G>C on the coding strand, the complement: NLRP12 is on the minus strand). VCF-style: chr19-53810024-C-G. GRCh37 (hg19) VCF-style: chr19-54313278-C-G.
Other names: c.1635G>C, p.Leu545Phe (NM_001277126.2, NM_001277129.1); short protein forms L545F.
Identifiers: ClinVar variation 2085039 (VCV002085039.4), dbSNP rs766348755, ClinGen allele CA9639387.